The following is an entry in ClinVar:

NM_138694.4(PKHD1):c.2167C>T (p.Arg723Cys)

Gene: PKHD1 (PKHD1 ciliary IPT domain containing fibrocystin/polyductin; minus strand). Cytogenetic location: 6p12.2.
Variant type: single nucleotide variant.
Coding change: c.2167C>T on transcript NM_138694.4 (MANE Select); coding-DNA position 2167, C replaced by T.
Protein change: p.Arg723Cys; replaces arginine 723 with cysteine.
Molecular consequence: missense variant.
Genome position (GRCh38, 1-based): chr6:52,050,269, G>A on the plus strand (C>T on the coding strand, the complement: PKHD1 is on the minus strand). VCF-style: chr6-52050269-G-A. GRCh37 (hg19) VCF-style: chr6-51915067-G-A.
Other names: c.2167C>T, p.Arg723Cys (NM_170724.3); short protein forms R723C.
Identifiers: ClinVar variation 195701 (VCV000195701.21), dbSNP rs794727366, ClinGen allele CA242235.

ClinVar aggregate classification (germline): Conflicting classifications of pathogenicity. Review status: criteria provided, conflicting classifications (1 of 4 stars). 10 submissions from 10 submitters: Likely pathogenic (3); Uncertain significance (7). Last evaluated 2025-12-09.

Conditions:
PKHD1-related disorder. Also called: PKHD1-related condition.
Polycystic kidney disease 4 (PKD4). Also called: POLYCYSTIC KIDNEY DISEASE 4 WITH OR WITHOUT POLYCYSTIC LIVER DISEASE; POLYCYSTIC KIDNEY AND HEPATIC DISEASE 1; POLYCYSTIC KIDNEY DISEASE, INFANTILE, TYPE I; PKD3; Autosomal Recessive Polycystic Kidney Disease – PKHD1. Identifiers: MedGen C4540575, MONDO:0033004, OMIM 263200.
Autosomal recessive polycystic kidney disease (ARPKD). Also called: AR polycystic kidney disease. Identifiers: Orphanet 731, Orphanet 8378, MedGen C0085548, MeSH D017044, MONDO:0009889.

Allele frequency attached by ClinVar (database versions not stated): gnomAD exomes below 0.00001; gnomAD 0.00001; TOPMed 0.00001.
gnomAD v4.1: 8 of 1,614,002 alleles (0.0005%); highest among the groups gnomAD compares: East Asian, 0.0022%; no homozygotes.

Submissions (10):

PreventionGenetics, part of Exact Sciences
Classification: Likely pathogenic for PKHD1-related condition. Last evaluated: 2025-12-09. Review status: criteria provided, single submitter. Criteria: ACMG Guidelines, 2015. Collection method: clinical testing. Allele origin: germline.
Comment: The PKHD1 c.2167C>T variant is predicted to result in the amino acid substitution p.Arg723Cys. This variant was reported together with another missense variant in PKHD1 in two individuals with polycystic kidney disease (Gunay-Aygun et al. 2009. PubMed ID: 19914852; Szabó et al. 2018. PubMed ID: 29956005). This variant is reported in 0.0050% of alleles in individuals of East Asian descent in gnomAD. This variant is interpreted as likely pathogenic.

Baylor Genetics
Classification: Likely pathogenic for Polycystic kidney disease 4. Last evaluated: 2023-12-21. Review status: criteria provided, single submitter. Criteria: ACMG Guidelines, 2015. Collection method: clinical testing. Allele origin: unknown.

Labcorp Genetics (formerly Invitae), Labcorp
Classification: Likely pathogenic for Autosomal recessive polycystic kidney disease. Last evaluated: 2023-11-13. Review status: criteria provided, single submitter. Criteria: Invitae Variant Classification Sherloc (09022015). Collection method: clinical testing. Allele origin: germline.
Comment: This sequence change replaces arginine, which is basic and polar, with cysteine, which is neutral and slightly polar, at codon 723 of the PKHD1 protein (p.Arg723Cys). This variant is present in population databases (rs794727366, gnomAD 0.005%). This missense change has been observed in individual(s) with autosomal recessive polycystic kidney disease (PMID: 19914852, 29956005). In at least one individual the data is consistent with being in trans (on the opposite chromosome) from a pathogenic variant. ClinVar contains an entry for this variant (Variation ID: 195701). Advanced modeling of protein sequence and biophysical properties (such as structural, functional, and spatial information, amino acid conservation, physicochemical variation, residue mobility, and thermodynamic stability) performed at Invitae indicates that this missense variant is not expected to disrupt PKHD1 protein function with a negative predictive value of 95%. Algorithms developed to predict the effect of sequence changes on RNA splicing suggest that this variant may disrupt the consensus splice site. In summary, the currently available evidence indicates that the variant is pathogenic, but additional data are needed to prove that conclusively. Therefore, this variant has been classified as Likely Pathogenic.

Women's Health and Genetics/Laboratory Corporation of America, LabCorp
Classification: Uncertain significance. Last evaluated: 2023-06-26. Review status: criteria provided, single submitter. Criteria: LabCorp Variant Classification Summary - May 2015. Collection method: clinical testing. Allele origin: germline.
Comment: Variant summary: PKHD1 c.2167C>T (p.Arg723Cys) results in a non-conservative amino acid change in the encoded protein sequence. Four of five in-silico tools predict a benign effect of the variant on protein function. The variant allele was found at a frequency of 4e-06 in 251212 control chromosomes (gnomAD). The available data on variant occurrences in the general population are insufficient to allow any conclusion about variant significance. c.2167C>T has been reported in the literature in individuals affected with autosomal recessive polycystic kidney disease (examples: Gunay-Aygun_2010 and Szabo_2018). These data do not allow any conclusion about variant significance. To our knowledge, no experimental evidence demonstrating an impact on protein function has been reported. The following publications have been ascertained in the context of this evaluation (PMID: 19914852, 29956005). Three submitters have cited clinical-significance assessments for this variant to ClinVar after 2014. All submitters classified the variant as uncertain significance. Based on the evidence outlined above, the variant was classified as uncertain significance.

GeneDx
Classification: Uncertain significance. Last evaluated: 2022-10-25. Review status: criteria provided, single submitter. Criteria: GeneDx Variant Classification Process June 2021. Collection method: clinical testing. Allele origin: germline. Affected: yes.
Comment: Not observed at significant frequency in large population cohorts (gnomAD); In silico analysis supports that this missense variant has a deleterious effect on protein structure/function; This variant is associated with the following publications: (PMID: 29956005, 19914852)

Victorian Clinical Genetics Services, Murdoch Childrens Research Institute
Classification: Uncertain significance for Polycystic kidney disease 4. Last evaluated: 2020-10-19. Review status: criteria provided, single submitter. Criteria: ACMG Guidelines, 2015. Collection method: clinical testing. Allele origin: germline. Inheritance: Autosomal recessive inheritance. Affected: yes.
Comment: Based on the classification scheme VCGS_Germline_v1.1.1, this variant is classified as 3B-VUS. Following criteria are met: 0102 - Loss-of-function is a known mechanism of disease for this gene. (N) 0106 - This gene is known to be associated with autosomal recessive disease. (N) 0200 - Variant is predicted to result in a missense amino acid change from arginine to cysteine (exon 22). (N) 0251 - Variant is heterozygous. (N) 0304 - Variant is present in gnomAD <0.01 for a recessive condition (2 heterozygotes, 0 homozygotes). (P) 0309 - An alternative amino acid change at the same position has been observed in gnomAD (384 heterozygotes, 4 homozygotes). (N) 0504 - Same amino acid change has been observed in mammals. (B) 0604 - Variant is not located in an established domain, motif, hotspot or informative constraint region. (N) 0708 - Comparable variants have conflicting previous evidence for pathogenicity (ClinVar, PMID: 25646624, 27225849). (N) 0808 - Previous reports of pathogenicity are conflicting (ClinVar, PMID: 19914852, 29956005). (N) 0905 - No segregation evidence has been identified for this variant. (N) 1007 - No published functional evidence has been identified for this variant. (N) 1102 - Strong phenotype match. (N)

Revvity Omics, Revvity
Classification: Uncertain significance for Polycystic kidney disease 4. Last evaluated: 2020-04-15. Review status: criteria provided, single submitter. Criteria: ACMG Guidelines, 2015. Collection method: clinical testing. Allele origin: germline.

Eurofins Ntd Llc (ga)
Classification: Uncertain significance. Last evaluated: 2014-11-23. Review status: criteria provided, single submitter. Criteria: EGL Classification Definitions 2015. Collection method: clinical testing. Allele origin: germline. Observed: 1 variant allele, 1 heterozygote.

Kasturba Medical College, Manipal, Kasturba Medical College, Manipal, Manipal Academy of Higher Education, Manipal, India
Classification: Uncertain significance for Polycystic kidney disease 4. Review status: criteria provided, single submitter. Criteria: ACMG Guidelines, 2015. Collection method: research. Allele origin: germline. Inheritance: Autosomal recessive inheritance. Affected: yes. Observed: 1 heterozygote.
Comment: The known variant, c.2167C>T is not found in homozygous state in population database gnomAD (v4.1.0) and in-house database of 3557 exomes (Meral et al., 2010; Melchionda et al., 2016).This variant is found in heterozygous state in eight individuals in gnomAD (v4.1.0) and one individual in our in-house database of 3596 exomes

Neuberg Centre For Genomic Medicine, NCGM
Classification: Uncertain significance for Polycystic kidney disease 4. Review status: criteria provided, single submitter. Criteria: ACMG Guidelines, 2015. Collection method: clinical testing. Allele origin: germline. Inheritance: Autosomal recessive inheritance. Affected: yes.
Comment: The missense c.2167C>T p.Arg723Cys variant in PKHD1 gene has been reported previously in both homozygous and compound heterozygous state in individuals affected with autosomal recessive polycystic kidney disease Sathyan et al. 2021. The p.Arg723Cys variant is reported with an allele frequency of 0.0004% in the gnomAD exomes database and is novel not in any individuals in 1000 Genomes database. This variant has been reported to the ClinVar database as Uncertain Significance multiple submissions. The amino acid change p.Arg723Cys in PKHD1 is predicted as conserved by GERP++ and PhyloP across 100 vertebrates. The amino acid Arg at position 723 is changed to a Cys changing protein sequence and it might alter its composition and physico-chemical properties. Additional studies will be required to prove the pathogenicity of this variant. For these reasons, this variant has been classified as a Variant of Uncertain Significance VUS.

Literature cited by the submitters: PubMed 19914852 (cited by 3 submitters); PubMed 29956005 (cited by 3 submitters); PubMed 25646624 (cited by Victorian Clinical Genetics Services, Murdoch Childrens Research Institute); PubMed 27225849 (cited by Victorian Clinical Genetics Services, Murdoch Childrens Research Institute and Kasturba Medical College, Manipal, Kasturba Medical College, Manipal, Manipal Academy of Higher Education, Manipal, India).